The following is an entry in ClinVar:

ClinVar aggregate classification (germline): Uncertain significance (1 of 4 stars; one submission).

Allele frequency attached by ClinVar (database versions not stated): gnomAD exomes below 0.00001.
gnomAD v4.1: 4 of 1,560,372 alleles (0.00026%); highest among the groups gnomAD compares: Middle Eastern, 0.017%; no homozygotes.

Submission:

Labcorp Genetics (formerly Invitae), Labcorp
Classification: Uncertain significance. Last evaluated: 2021-07-28. Review status: criteria provided, single submitter. Criteria: Invitae Variant Classification Sherloc (09022015). Collection method: clinical testing. Allele origin: germline.
Comment: In summary, the available evidence is currently insufficient to determine the role of this variant in disease. Therefore, it has been classified as a Variant of Uncertain Significance. Nucleotide substitutions within the consensus splice site are a relatively common cause of aberrant splicing (PMID: 17576681, 9536098). Algorithms developed to predict the effect of sequence changes on RNA splicing suggest that this variant may disrupt the consensus splice site. This variant has not been reported in the literature in individuals affected with DZIP1L-related conditions. This variant is not present in population databases (ExAC no frequency). This sequence change falls in intron 14 of the DZIP1L gene. It does not directly change the encoded amino acid sequence of the DZIP1L protein. It affects a nucleotide within the consensus splice site of the intron.

Literature cited by the submitters: PubMed 17576681; PubMed 9536098.

NM_173543.3(DZIP1L):c.2003-3C>G

Gene: DZIP1L (DAZ interacting zinc finger protein 1 like; minus strand). Cytogenetic location: 3q22.3.
Variant type: single nucleotide variant.
Coding change: c.2003-3C>G on transcript NM_173543.3 (MANE Select); 3 bases into the intron before coding-DNA position 2003, C replaced by G.
Molecular consequence: intron variant.
Genome position (GRCh38, 1-based): chr3:138,064,770, G>C on the plus strand (C>G on the coding strand, the complement: DZIP1L is on the minus strand). VCF-style: chr3-138064770-G-C. GRCh37 (hg19) VCF-style: chr3-137783612-G-C.
Identifiers: ClinVar variation 1407406 (VCV001407406.6), dbSNP rs2107728178, ClinGen allele CA2573136547.